The following is an entry in ClinVar:

NM_016107.5(ZFR):c.688G>A (p.Val230Ile)

Gene: ZFR (zinc finger RNA binding protein; minus strand). Cytogenetic location: 5p13.3.
Variant type: single nucleotide variant.
Coding change: c.688G>A on transcript NM_016107.5 (MANE Select); coding-DNA position 688, G replaced by A.
Protein change: p.Val230Ile; replaces valine 230 with isoleucine.
Molecular consequence: missense variant. On other transcripts: non-coding transcript variant (1).
Genome position (GRCh38, 1-based): chr5:32,415,065, C>T on the plus strand (G>A on the coding strand, the complement: ZFR is on the minus strand). VCF-style: chr5-32415065-C-T. GRCh37 (hg19) VCF-style: chr5-32415170-C-T.
Other names: short protein forms V230I.
Identifiers: ClinVar variation 661696 (VCV000661696.9), dbSNP rs757275046, ClinGen allele CA3222003.

ClinVar aggregate classification (germline): Uncertain significance (1 of 4 stars; one submission).

Conditions:
Pure or complex autosomal recessive spastic paraplegia. Identifiers: Orphanet 320346, MedGen C5679887, MONDO:0017915.

Allele frequency attached by ClinVar (database versions not stated): gnomAD exomes below 0.00001; ExAC 0.00001; TOPMed 0.00001.
gnomAD v4.1: 4 of 1,614,068 alleles (0.00025%); highest among the groups gnomAD compares: Non-Finnish European, 0.00025%; no homozygotes.

Submission:

Labcorp Genetics (formerly Invitae), Labcorp
Classification: Uncertain significance for Pure or complex autosomal recessive spastic paraplegia. Last evaluated: 2025-07-14. Review status: criteria provided, single submitter. Criteria: Invitae Variant Classification Sherloc (09022015). Collection method: clinical testing. Allele origin: germline.
Comment: This sequence change replaces valine, which is neutral and non-polar, with isoleucine, which is neutral and non-polar, at codon 230 of the ZFR protein (p.Val230Ile). This variant is present in population databases (rs757275046, gnomAD 0.0009%). This variant has not been reported in the literature in individuals affected with ZFR-related conditions. ClinVar contains an entry for this variant (Variation ID: 661696). Experimental studies and prediction algorithms are not available or were not evaluated, and the functional significance of this variant is currently unknown. In summary, the available evidence is currently insufficient to determine the role of this variant in disease. Therefore, it has been classified as a Variant of Uncertain Significance.